The following is an entry in ClinVar:

ClinVar aggregate classification (germline): Uncertain significance. Review status: criteria provided, multiple submitters, no conflicts (2 of 4 stars). 4 submissions from 4 submitters: Uncertain significance (4). Last evaluated 2026-01-19.

Conditions:
Hereditary cancer-predisposing syndrome. Also called: Hereditary Cancer Syndrome; Neoplastic Syndromes, Hereditary; Tumor predisposition; Hereditary neoplastic syndrome. Identifiers: Orphanet 140162, MedGen C0027672, MeSH D009386, MONDO:0015356.
Familial cancer of breast. Also called: BREAST CANCER, FAMILIAL; Hereditary breast cancer; hereditary breast carcinoma. Identifiers: Orphanet 227535, MedGen C0346153, MONDO:0016419, OMIM 114480. Disease mechanism: loss of function.
Ataxia-telangiectasia syndrome (AT). Also called: Cerebello-oculocutaneous telangiectasia; Immunodeficiency with ataxia telangiectasia; Ataxia-telangiectasia, complementation group E; Ataxia-telangiectasia, complementation group D; AT, COMPLEMENTATION GROUP C; ATAXIA-TELANGIECTASIA, COMPLEMENTATION GROUP A. Identifiers: Orphanet 100, MedGen C0004135, MONDO:0008840, OMIM 208900.

gnomAD v4.1: 1 of 1,614,140 alleles (0.000062%); highest among the groups gnomAD compares: Non-Finnish European, 0.000085%; no homozygotes.

Submissions (4):

Labcorp Genetics (formerly Invitae), Labcorp
Classification: Uncertain significance for Ataxia-telangiectasia syndrome. Last evaluated: 2026-01-19. Review status: criteria provided, single submitter. Criteria: Invitae Variant Classification Sherloc (09022015). Collection method: clinical testing. Allele origin: germline.
Comment: This sequence change replaces serine, which is neutral and polar, with arginine, which is basic and polar, at codon 2162 of the ATM protein (p.Ser2162Arg). This variant is not present in population databases (gnomAD no frequency). This variant has not been reported in the literature in individuals affected with ATM-related conditions. ClinVar contains an entry for this variant (Variation ID: 574221). Invitae Evidence Modeling of protein sequence and biophysical properties (such as structural, functional, and spatial information, amino acid conservation, physicochemical variation, residue mobility, and thermodynamic stability) has been performed for this missense variant. However, the output from this modeling did not meet the statistical confidence thresholds required to predict the impact of this variant on ATM protein function. In summary, the available evidence is currently insufficient to determine the role of this variant in disease. Therefore, it has been classified as a Variant of Uncertain Significance.

Ambry Genetics
Classification: Uncertain significance for Hereditary cancer-predisposing syndrome. Last evaluated: 2025-08-20. Review status: criteria provided, single submitter. Criteria: Ambry Variant Classification Scheme 2023. Collection method: clinical testing. Allele origin: germline.
Comment: The p.S2162R variant (also known as c.6486C>G), located in coding exon 44 of the ATM gene, results from a C to G substitution at nucleotide position 6486. The serine at codon 2162 is replaced by arginine, an amino acid with dissimilar properties. This amino acid position is highly conserved in available vertebrate species. In addition, this alteration is predicted to be deleterious by in silico analysis. Since supporting evidence is limited at this time, the clinical significance of this alteration remains unclear.

Blueprint Genetics
Classification: Uncertain significance. Last evaluated: 2024-05-29. Review status: criteria provided, single submitter. Criteria: ACMG Guidelines, 2015. Collection method: clinical testing. Allele origin: germline.

Baylor Genetics
Classification: Uncertain significance for Familial cancer of breast. Last evaluated: 2023-07-14. Review status: criteria provided, single submitter. Criteria: ACMG Guidelines, 2015. Collection method: clinical testing. Allele origin: unknown.

NM_000051.4(ATM):c.6486C>G (p.Ser2162Arg)

Genes: C11orf65 (chromosome 11 open reading frame 65; minus strand), ATM (ATM serine/threonine kinase; plus strand). Cytogenetic location: 11q22.3.
Variant type: single nucleotide variant.
Coding change: c.6486C>G on transcript NM_000051.4 (MANE Select); coding-DNA position 6486, C replaced by G.
Protein change: p.Ser2162Arg; replaces serine 2162 with arginine.
Molecular consequence: missense variant. On other transcripts: intron variant (2).
Genome position (GRCh38, 1-based): chr11:108,321,334, C>G. VCF-style: chr11-108321334-C-G. GRCh37 (hg19) VCF-style: chr11-108192061-C-G.
Other names: c.6486C>G, p.Ser2162Arg (NM_001351834.2); c.641-12263G>C (NM_001330368.2); c.*39-12263G>C (NM_001351110.2); short protein forms S2162R.
Identifiers: ClinVar variation 574221 (VCV000574221.15), dbSNP rs138166710, ClinGen allele CA382553995.